The following is an entry in ClinVar:

ClinVar aggregate classification (germline): Uncertain significance (1 of 4 stars; one submission).

Conditions:
Duchenne muscular dystrophy (DMD). Also called: MUSCULAR DYSTROPHY, PSEUDOHYPERTROPHIC PROGRESSIVE, DUCHENNE TYPE; Duchenne Muscular Dystrophy (DMD). Identifiers: Orphanet 98896, MedGen C0013264, MONDO:0010679, OMIM 310200.

gnomAD v4.1: 2 of 1,208,994 alleles (0.00017%); highest among the groups gnomAD compares: Non-Finnish European, 0.00022%; no homozygotes.

Submission:

Labcorp Genetics (formerly Invitae), Labcorp
Classification: Uncertain significance for Duchenne muscular dystrophy. Last evaluated: 2024-12-03. Review status: criteria provided, single submitter. Criteria: Invitae Variant Classification Sherloc (09022015). Collection method: clinical testing. Allele origin: germline.
Comment: This sequence change replaces glutamic acid, which is acidic and polar, with lysine, which is basic and polar, at codon 2134 of the DMD protein (p.Glu2134Lys). The frequency data for this variant in the population databases is considered unreliable, as metrics indicate poor data quality at this position in the gnomAD database. This variant has not been reported in the literature in individuals affected with DMD-related conditions. Invitae Evidence Modeling of protein sequence and biophysical properties (such as structural, functional, and spatial information, amino acid conservation, physicochemical variation, residue mobility, and thermodynamic stability) indicates that this missense variant is not expected to disrupt DMD protein function with a negative predictive value of 95%. In summary, the available evidence is currently insufficient to determine the role of this variant in disease. Therefore, it has been classified as a Variant of Uncertain Significance.

NM_004006.3(DMD):c.6400G>A (p.Glu2134Lys)

Gene: DMD (dystrophin; minus strand). Cytogenetic location: Xp21.1.
Variant type: single nucleotide variant.
Coding change: c.6400G>A on transcript NM_004006.3 (MANE Select); coding-DNA position 6400, G replaced by A.
Protein change: p.Glu2134Lys; replaces glutamic acid 2134 with lysine.
Molecular consequence: missense variant.
Genome position (GRCh38, 1-based): chrX:32,216,954, C>T on the plus strand (G>A on the coding strand, the complement: DMD is on the minus strand). VCF-style: chrX-32216954-C-T. GRCh37 (hg19) VCF-style: chrX-32235071-C-T.
Other names: c.6376G>A, p.Glu2126Lys (NM_000109.4); c.6388G>A, p.Glu2130Lys (NM_004009.3); c.6031G>A, p.Glu2011Lys (NM_004010.3); c.2377G>A, p.Glu793Lys (NM_004011.4); c.2368G>A, p.Glu790Lys (NM_004012.4); short protein forms E2126K, E790K, E2011K, E2130K, E2134K, E793K.
Identifiers: ClinVar variation 3689036 (VCV003689036.2).